The following is an entry in ClinVar:

ClinVar aggregate classification (germline): Likely benign. Review status: criteria provided, multiple submitters, no conflicts (2 of 4 stars). 6 submissions from 6 submitters: Likely benign (4). 2 of the submissions do not count toward it. Last evaluated 2026-08-28.

Conditions:
GJB1-related disorder. Also called: GJB1-related condition; GJB1-related disorders.
Charcot-Marie-Tooth Neuropathy X. Identifiers: MedGen CN118851.
Charcot-Marie-Tooth disease. Also called: Charcot-Marie-Tooth Neuropathy; Charcot-Marie-Tooth Hereditary Neuropathy. Identifiers: Orphanet 166, MedGen C0007959, MONDO:0015626.

Allele frequency attached by ClinVar (database versions not stated): gnomAD 0.00006; TOPMed 0.00006; ExAC 0.00008; gnomAD exomes 0.00012.
gnomAD v4.1: 135 of 1,202,451 alleles (0.011%); highest among the groups gnomAD compares: Non-Finnish European, 0.014%; no homozygotes.

Submissions (6):

PreventionGenetics, part of Exact Sciences
Classification: Likely benign for GJB1-related condition. Last evaluated: 2026-08-28. Review status: criteria provided, single submitter. Criteria: ACMG Guidelines, 2015. Collection method: clinical testing. Allele origin: germline.
Comment: This variant is classified as likely benign based on ACMG/AMP sequence variant interpretation guidelines (Richards et al. 2015 PMID: 25741868, with internal and published modifications).

Labcorp Genetics (formerly Invitae), Labcorp
Classification: Likely benign for Charcot-Marie-Tooth Neuropathy X. Last evaluated: 2025-08-25. Review status: criteria provided, single submitter. Criteria: Invitae Variant Classification Sherloc (09022015). Collection method: clinical testing. Allele origin: germline.

Blueprint Genetics
Classification: Likely benign. Last evaluated: 2024-11-07. Review status: criteria provided, single submitter. Criteria: ACMG Guidelines, 2015. Collection method: clinical testing. Allele origin: germline.

Molecular Genetics Laboratory, London Health Sciences Centre
Classification: Likely benign for Charcot-Marie-Tooth disease. Review status: criteria provided, single submitter. Criteria: ACMG Guidelines, 2015. Collection method: clinical testing. Allele origin: germline. Affected: yes.

Natera, Inc.
Classification: Likely benign for Charcot-Marie-Tooth disease. Last evaluated: 2020-09-16. Review status: no assertion criteria provided. Collection method: clinical testing. Allele origin: germline. Not counted in ClinVar's aggregate classification.

Inherited Neuropathy Consortium
Classification: Benign. Review status: no assertion criteria provided. Collection method: literature only. Allele origin: germline. Affected: yes. Not counted in ClinVar's aggregate classification.

Literature cited by the submitters: PubMed 17100997 (cited by Inherited Neuropathy Consortium).

NM_000166.6(GJB1):c.441C>T (p.Ala147=)

Gene: GJB1 (gap junction protein beta 1; plus strand). Cytogenetic location: Xq13.1.
Variant type: single nucleotide variant.
Coding change: c.441C>T on transcript NM_000166.6 (MANE Select); coding-DNA position 441, C replaced by T.
Protein change: p.Ala147=; no amino-acid change (alanine 147 retained).
Molecular consequence: synonymous variant.
Genome position (GRCh38, 1-based): chrX:71,224,148, C>T. VCF-style: chrX-71224148-C-T. GRCh37 (hg19) VCF-style: chrX-70443998-C-T.
Other names: c.441C>T, p.Ala147= (NM_001097642.3).
Identifiers: ClinVar variation 637879 (VCV000637879.15), dbSNP rs765686240, ClinGen allele CA10445301.
Genomic context (GRCh38, chrX:71,224,148, plus strand): 5'-CTCAGGGACACTGTGGTGGACCTATGTCATCAGCGTGGTGTTCCGGCTGTTGTTTGAGGC[C>T]GTCTTCATGTATGTCTTTTATCTGCTCTACCCTGGCTATGCCATGGTGCGGCTGGTCAAG-3'
Protein context (NP_000157.1, residues 137-157): ISVVFRLLFE[Ala147=]VFMYVFYLLY